The following is an entry in ClinVar:

NM_001009999.3(KDM1A):c.2435G>C (p.Gly812Ala)

Gene: KDM1A (lysine demethylase 1A; plus strand). Cytogenetic location: 1p36.12.
Variant type: single nucleotide variant.
Coding change: c.2435G>C on transcript NM_001009999.3 (MANE Select); coding-DNA position 2435, G replaced by C.
Protein change: p.Gly812Ala; replaces glycine 812 with alanine.
Molecular consequence: missense variant.
Genome position (GRCh38, 1-based): chr1:23,082,356, G>C. VCF-style: chr1-23082356-G-C. GRCh37 (hg19) VCF-style: chr1-23408849-G-C.
Other names: c.2381G>C, p.Gly794Ala (NM_001363654.2); c.2441G>C, p.Gly814Ala (NM_001410762.1); c.2363G>C, p.Gly788Ala (NM_001410763.1, NM_015013.4); short protein forms G788A, G794A, G812A, G814A.
Identifiers: ClinVar variation 1805913 (VCV001805913.1), dbSNP rs2522818907, ClinGen allele CA338972534.

ClinVar aggregate classification (germline): Uncertain significance (1 of 4 stars; one submission).

Conditions:
Palatal anomalies-widely spaced teeth-facial dysmorphism-developmental delay syndrome. Also called: Cleft palate, psychomotor retardation, and distinctive facial features. Identifiers: Orphanet 477993, MedGen C4225229, MONDO:0014751, OMIM 616728.

gnomAD v4.1: 1 of 1,612,870 alleles (0.000062%); highest among the groups gnomAD compares: South Asian, 0.0011%; no homozygotes.

Submission:

Victorian Clinical Genetics Services, Murdoch Childrens Research Institute
Classification: Uncertain significance for Palatal anomalies-widely spaced teeth-facial dysmorphism-developmental delay syndrome. Last evaluated: 2022-09-02. Review status: criteria provided, single submitter. Criteria: ACMG Guidelines, 2015. Collection method: clinical testing. Allele origin: germline. Inheritance: Autosomal dominant inheritance. Affected: yes.
Comment: Based on the classification scheme VCGS_Germline_v1.3.4, this variant is classified as VUS-3B. Following criteria are met: 0102 - Loss of function is a known mechanism of disease in this gene and is associated with cleft palate, psychomotor retardation, and distinctive facial features (MIM#616728). (I) 0107 - This gene is associated with autosomal dominant disease. (I) 0200 - Variant is predicted to result in a missense amino acid change from glycine to alanine. (I) 0251 - This variant is heterozygous. (I) 0301 - Variant is absent from gnomAD (both v2 and v3). (SP) 0503 - Missense variant consistently predicted to be tolerated by multiple in silico tools or not conserved in placental mammals with a minor amino acid change. (SB) 0600 - Variant is located in the annotated flavin containing amine oxidoreductase domain (DECIPHER). (I) 0705 - No comparable missense variants have previous evidence for pathogenicity. (I) 0807 - This variant has no previous evidence of pathogenicity. (I) 0905 - No published segregation evidence has been identified for this variant. (I) 1007 - No published functional evidence has been identified for this variant. (I) 1208 - Inheritance information for this variant is not currently available in this individual. (I) Legend: (SP) - Supporting pathogenic, (I) - Information, (SB) - Supporting benign